The following is an entry in ClinVar:

ClinVar aggregate classification (germline): Likely benign (1 of 4 stars; one submission).

Submission:

CeGaT Center for Human Genetics Tuebingen
Classification: Likely benign. Last evaluated: 2022-12-01. Review status: criteria provided, single submitter. Criteria: CeGaT Center For Human Genetics Tuebingen Variant Classification Criteria Version 2. Collection method: clinical testing. Allele origin: germline. Affected: yes. Observed: 1 variant allele.
Comment: TAF4: PM2:Supporting, BP4, BP7

NM_003185.4(TAF4):c.1170G>A (p.Pro390=)

Gene: TAF4 (TATA-box binding protein associated factor 4; minus strand). Cytogenetic location: 20q13.33.
Variant type: single nucleotide variant.
Coding change: c.1170G>A on transcript NM_003185.4 (MANE Select); coding-DNA position 1170, G replaced by A.
Protein change: p.Pro390=; no amino-acid change (proline 390 retained).
Molecular consequence: synonymous variant.
Genome position (GRCh38, 1-based): chr20:62,064,641, C>T on the plus strand (G>A on the coding strand, the complement: TAF4 is on the minus strand). VCF-style: chr20-62064641-C-T. GRCh37 (hg19) VCF-style: chr20-60639697-C-T.
Identifiers: ClinVar variation 2652464 (VCV002652464.24), dbSNP rs2516038223, ClinGen allele CA511323039.